The following is an entry in ClinVar:

ClinVar aggregate classification (germline): Uncertain significance (1 of 4 stars; one submission).

Conditions:
Neuromuscular disease caused by qualitative or quantitative defects of dysferlin. Also called: Qualitative or quantitative defects of dysferlin; Dysferlinopathy. Identifiers: Orphanet 207073, MedGen C2931687, MONDO:0016145.

Submission:

Labcorp Genetics (formerly Invitae), Labcorp
Classification: Uncertain significance for Neuromuscular disease caused by qualitative or quantitative defects of dysferlin. Last evaluated: 2021-03-24. Review status: criteria provided, single submitter. Criteria: Invitae Variant Classification Sherloc (09022015). Collection method: clinical testing. Allele origin: germline.
Comment: This sequence change replaces glutamine with histidine at codon 404 of the DYSF protein (p.Gln404His). The glutamine residue is moderately conserved and there is a small physicochemical difference between glutamine and histidine. This variant is not present in population databases (ExAC no frequency). This variant has not been reported in the literature in individuals with DYSF-related conditions. Advanced modeling of protein sequence and biophysical properties (such as structural, functional, and spatial information, amino acid conservation, physicochemical variation, residue mobility, and thermodynamic stability) performed at Invitae indicates that this missense variant is not expected to disrupt DYSF protein function. In summary, the available evidence is currently insufficient to determine the role of this variant in disease. Therefore, it has been classified as a Variant of Uncertain Significance.

NM_001130987.2(DYSF):c.1308G>C (p.Gln436His)

Gene: DYSF (dysferlin; plus strand). Cytogenetic location: 2p13.2.
Variant type: single nucleotide variant.
Coding change: c.1308G>C on transcript NM_001130987.2 (MANE Select); coding-DNA position 1308, G replaced by C.
Protein change: p.Gln436His; replaces glutamine 436 with histidine.
Molecular consequence: missense variant.
Genome position (GRCh38, 1-based): chr2:71,528,329, G>C. VCF-style: chr2-71528329-G-C. GRCh37 (hg19) VCF-style: chr2-71755459-G-C.
Other names: c.1215G>C, p.Gln405His (NM_001130455.2, NM_001130983.2, NM_001130984.2 and 1 more transcripts); c.1212G>C, p.Gln404His (NM_001130976.2, NM_001130977.2, NM_001130978.2 and 1 more transcripts); c.1305G>C, p.Gln435His (NM_001130979.2, NM_001130980.2, NM_001130981.2); c.1308G>C, p.Gln436His (NM_001130982.2, NM_001130985.2); short protein forms Q405H, Q435H, Q404H, Q436H.
Identifiers: ClinVar variation 1937994 (VCV001937994.2), dbSNP rs2545508568, ClinGen allele CA347214617.